The following is an entry in ClinVar:

NM_001163809.2(WDR81):c.4397G>A (p.Arg1466Gln)

Gene: WDR81 (WD repeat domain 81; plus strand). Cytogenetic location: 17p13.3.
Variant type: single nucleotide variant.
Coding change: c.4397G>A on transcript NM_001163809.2 (MANE Select); coding-DNA position 4397, G replaced by A.
Protein change: p.Arg1466Gln; replaces arginine 1466 with glutamine.
Molecular consequence: missense variant.
Genome position (GRCh38, 1-based): chr17:1,732,739, G>A. VCF-style: chr17-1732739-G-A. GRCh37 (hg19) VCF-style: chr17-1636033-G-A.
Other names: c.788G>A, p.Arg263Gln (NM_001163673.2); c.716G>A, p.Arg239Gln (NM_001163811.2); c.1244G>A, p.Arg415Gln (NM_152348.4); short protein forms R239Q, R1466Q, R263Q, R415Q.
Identifiers: ClinVar variation 1810591 (VCV001810591.2), dbSNP rs371608451, ClinGen allele CA8273546.

ClinVar aggregate classification (germline): Uncertain significance. Review status: criteria provided, multiple submitters, no conflicts (2 of 4 stars). 2 submissions from 2 submitters: Uncertain significance (2). Last evaluated 2025-08-10.

Conditions:
Inborn genetic diseases. Identifiers: MedGen C0950123, MeSH D030342.

Allele frequency attached by ClinVar (database versions not stated): ExAC 0.00002; gnomAD 0.00002; gnomAD exomes 0.00003; TOPMed 0.00004; ESP Exome Variant Server 0.00008.
gnomAD v4.1: 46 of 1,612,870 alleles (0.0029%); highest among the groups gnomAD compares: Admixed American, 0.0067%; no homozygotes.

Submissions (2):

Ambry Genetics
Classification: Uncertain significance for Inborn genetic diseases. Last evaluated: 2025-08-10. Review status: criteria provided, single submitter. Criteria: Ambry Variant Classification Scheme 2023. Collection method: clinical testing. Allele origin: germline.

GeneDx
Classification: Uncertain significance. Last evaluated: 2022-07-05. Review status: criteria provided, single submitter. Criteria: GeneDx Variant Classification Process June 2021. Collection method: clinical testing. Allele origin: germline. Affected: yes.
Comment: In silico analysis supports that this missense variant does not alter protein structure/function; Has not been previously published as pathogenic or benign to our knowledge